The following is an entry in ClinVar:

NM_000548.5(TSC2):c.2595T>C (p.Tyr865=)

Gene: TSC2 (TSC complex subunit 2; plus strand). Cytogenetic location: 16p13.3.
Variant type: single nucleotide variant.
Coding change: c.2595T>C on transcript NM_000548.5 (MANE Select); coding-DNA position 2595, T replaced by C.
Protein change: p.Tyr865=; no amino-acid change (tyrosine 865 retained).
Molecular consequence: synonymous variant.
Genome position (GRCh38, 1-based): chr16:2,075,848, T>C. VCF-style: chr16-2075848-T-C. GRCh37 (hg19) VCF-style: chr16-2125849-T-C.
Other names: c.2595T>C, p.Tyr865= (NM_001077183.3, NM_001114382.3, NM_001363528.2 and 3 more transcripts); c.2484T>C, p.Tyr828= (NM_001318827.2); c.2448T>C, p.Tyr816= (NM_001318829.2); c.1995T>C, p.Tyr665= (NM_001318831.2); c.2628T>C, p.Tyr876= (NM_001318832.2).
Identifiers: ClinVar variation 779757 (VCV000779757.12), dbSNP rs1277430773, ClinGen allele CA492953485.

ClinVar aggregate classification (germline): Benign/Likely benign. Review status: criteria provided, multiple submitters, no conflicts (2 of 4 stars). 3 submissions from 3 submitters: Benign (1); Likely benign (2). Last evaluated 2025-05-20.

Conditions:
Hereditary cancer-predisposing syndrome. Also called: Neoplastic Syndromes, Hereditary; Hereditary neoplastic syndrome; Tumor predisposition; Hereditary Cancer Syndrome. Identifiers: Orphanet 140162, MedGen C0027672, MeSH D009386, MONDO:0015356.
Tuberous sclerosis 2 (TSC2). Identifiers: Orphanet 805, MedGen C1860707, MONDO:0013199, OMIM 613254.

Allele frequency attached by ClinVar (database versions not stated): gnomAD exomes below 0.00001; gnomAD 0.00001; TOPMed 0.00002.
gnomAD v4.1: 4 of 1,613,004 alleles (0.00025%); highest among the groups gnomAD compares: Admixed American, 0.0067%; no homozygotes.

Submissions (3):

Myriad Genetics, Inc.
Classification: Benign for Tuberous sclerosis 2. Last evaluated: 2025-05-20. Review status: criteria provided, single submitter. Criteria: Myriad Autosomal Dominant, Autosomal Recessive and X-Linked Classification Criteria (2023). Collection method: clinical testing. Allele origin: unknown.
Comment: This variant is considered benign. This variant is a silent/synonymous amino acid change and it is not expected to impact splicing.

Labcorp Genetics (formerly Invitae), Labcorp
Classification: Likely benign for Tuberous sclerosis 2. Last evaluated: 2024-10-27. Review status: criteria provided, single submitter. Criteria: Invitae Variant Classification Sherloc (09022015). Collection method: clinical testing. Allele origin: germline.

Ambry Genetics
Classification: Likely benign for Hereditary cancer-predisposing syndrome. Last evaluated: 2021-04-30. Review status: criteria provided, single submitter. Criteria: Ambry Variant Classification Scheme 2023. Collection method: clinical testing. Allele origin: germline.